The following is an entry in ClinVar:

NM_152703.5(SAMD9L):c.3400T>C (p.Trp1134Arg)

Gene: SAMD9L (sterile alpha motif domain containing 9 like; minus strand). Cytogenetic location: 7q21.2.
Variant type: single nucleotide variant.
Coding change: c.3400T>C on transcript NM_152703.5 (MANE Select); coding-DNA position 3400, T replaced by C.
Protein change: p.Trp1134Arg; replaces tryptophan 1134 with arginine.
Molecular consequence: missense variant.
Genome position (GRCh38, 1-based): chr7:93,132,572, A>G on the plus strand (T>C on the coding strand, the complement: SAMD9L is on the minus strand). VCF-style: chr7-93132572-A-G. GRCh37 (hg19) VCF-style: chr7-92761885-A-G.
Other names: c.3400T>C (NM_152703.2); c.3400T>C, p.Trp1134Arg (NM_001303496.3, NM_001303497.3, NM_001303498.3 and 5 more transcripts); short protein forms W1134R.
Identifiers: ClinVar variation 1350996 (VCV001350996.10), dbSNP rs1792172998, ClinGen allele CA368182789.

ClinVar aggregate classification (germline): Uncertain significance. Review status: criteria provided, multiple submitters, no conflicts (2 of 4 stars). 3 submissions from 3 submitters: Uncertain significance (3). Last evaluated 2025-09-19.

Conditions:
Inborn genetic diseases. Identifiers: MedGen C0950123, MeSH D030342.

Allele frequency attached by ClinVar (database versions not stated): gnomAD exomes below 0.00001; gnomAD 0.00001; TOPMed 0.00001.
gnomAD v4.1: 3 of 1,613,830 alleles (0.00019%); highest among the groups gnomAD compares: Middle Eastern, 0.033%; no homozygotes.

Submissions (3):

Ambry Genetics
Classification: Uncertain significance for Inborn genetic diseases. Last evaluated: 2025-09-19. Review status: criteria provided, single submitter. Criteria: Ambry Variant Classification Scheme 2023. Collection method: clinical testing. Allele origin: germline.
Comment: The p.W1134R variant (also known as c.3400T>C), located in coding exon 1 of the SAMD9L gene, results from a T to C substitution at nucleotide position 3400. The tryptophan at codon 1134 is replaced by arginine, an amino acid with dissimilar properties. This amino acid position is conserved. In addition, this alteration is predicted to be tolerated by in silico analysis. Based on the available evidence, the clinical significance of this variant remains unclear.

Labcorp Genetics (formerly Invitae), Labcorp
Classification: Uncertain significance. Last evaluated: 2023-07-22. Review status: criteria provided, single submitter. Criteria: Invitae Variant Classification Sherloc (09022015). Collection method: clinical testing. Allele origin: germline.
Comment: ClinVar contains an entry for this variant (Variation ID: 1350996). This sequence change replaces tryptophan, which is neutral and slightly polar, with arginine, which is basic and polar, at codon 1134 of the SAMD9L protein (p.Trp1134Arg). This variant is not present in population databases (gnomAD no frequency). This variant has not been reported in the literature in individuals affected with SAMD9L-related conditions. Advanced modeling of protein sequence and biophysical properties (such as structural, functional, and spatial information, amino acid conservation, physicochemical variation, residue mobility, and thermodynamic stability) performed at Invitae indicates that this missense variant is not expected to disrupt SAMD9L protein function. In summary, the available evidence is currently insufficient to determine the role of this variant in disease. Therefore, it has been classified as a Variant of Uncertain Significance.

Blueprint Genetics
Classification: Uncertain significance. Last evaluated: 2022-10-11. Review status: criteria provided, single submitter. Criteria: ACMG Guidelines, 2015. Collection method: clinical testing. Allele origin: germline.